The following is an entry in ClinVar:

NM_001197104.2(KMT2A):c.7814A>T (p.Asp2605Val)

Gene: KMT2A (lysine methyltransferase 2A; plus strand). Cytogenetic location: 11q23.3.
Variant type: single nucleotide variant.
Coding change: c.7814A>T on transcript NM_001197104.2 (MANE Select); coding-DNA position 7814, A replaced by T.
Protein change: p.Asp2605Val; replaces aspartic acid 2605 with valine.
Molecular consequence: missense variant.
Genome position (GRCh38, 1-based): chr11:118,503,706, A>T. VCF-style: chr11-118503706-A-T. GRCh37 (hg19) VCF-style: chr11-118374421-A-T.
Other names: c.7904A>T, p.Asp2635Val (NM_001412597.1); c.7805A>T, p.Asp2602Val (NM_005933.4); short protein forms D2602V, D2605V, D2635V.
Identifiers: ClinVar variation 4707559 (VCV004707559.1).

ClinVar aggregate classification (germline): Uncertain significance (1 of 4 stars; one submission).

gnomAD v4.1: 2 of 1,614,220 alleles (0.00012%); highest among the groups gnomAD compares: East Asian, 0.0022%; no homozygotes.

Submission:

Labcorp Genetics (formerly Invitae), Labcorp
Classification: Uncertain significance. Last evaluated: 2025-09-17. Review status: criteria provided, single submitter. Criteria: Invitae Variant Classification Sherloc (09022015). Collection method: clinical testing. Allele origin: germline.
Comment: This sequence change replaces aspartic acid, which is acidic and polar, with valine, which is neutral and non-polar, at codon 2605 of the KMT2A protein (p.Asp2605Val). This variant is present in population databases (rs367599045, gnomAD 0.006%). This variant has not been reported in the literature in individuals affected with KMT2A-related conditions. Invitae Evidence Modeling of protein sequence and biophysical properties (such as structural, functional, and spatial information, amino acid conservation, physicochemical variation, residue mobility, and thermodynamic stability) has been performed for this missense variant. However, the output from this modeling did not meet the statistical confidence thresholds required to predict the impact of this variant on KMT2A protein function. In summary, the available evidence is currently insufficient to determine the role of this variant in disease. Therefore, it has been classified as a Variant of Uncertain Significance.